The following is an entry in ClinVar:

ClinVar aggregate classification (germline): Pathogenic (1 of 4 stars; one submission).

Conditions:
Frasier syndrome. Identifiers: Orphanet 347, MedGen C0950122, MeSH D052159, MONDO:0007635, OMIM 136680.
Wilms tumor 1 (WT1). Also called: Wilms tumor, somatic. Identifiers: Orphanet 654, MedGen CN033288, MONDO:0008679, OMIM 194070.
11p partial monosomy syndrome (WAGR). Also called: CHROMOSOME 11p13 DELETION SYNDROME; WAGR Spectrum Disorder; WAGR syndrome; WAGR Complex. Identifiers: Orphanet 893, MedGen C0206115, MONDO:0008681, OMIM 194072.
Drash syndrome (DDS). Also called: NEPHROPATHY, WILMS TUMOR, AND GENITAL ANOMALIES; WILMS TUMOR AND PSEUDO- OR TRUE HERMAPHRODITISM. Identifiers: Orphanet 220, MedGen C0950121, MONDO:0008682, OMIM 194080.

Submission:

Labcorp Genetics (formerly Invitae), Labcorp
Classification: Pathogenic for Wilms tumor 1; Drash syndrome; 11p partial monosomy syndrome; Frasier syndrome. Last evaluated: 2022-09-30. Review status: criteria provided, single submitter. Criteria: Invitae Variant Classification Sherloc (09022015). Collection method: clinical testing. Allele origin: germline.
Comment: For these reasons, this variant has been classified as Pathogenic. This variant has not been reported in the literature in individuals affected with WT1-related conditions. This variant is not present in population databases (gnomAD no frequency). This sequence change creates a premature translational stop signal (p.Cys428*) in the WT1 gene. It is expected to result in an absent or disrupted protein product. Loss-of-function variants in WT1 are known to be pathogenic (PMID: 15150775).

Literature cited by the submitters: PubMed 15150775.

NM_024426.6(WT1):c.1299T>A (p.Cys433Ter)

Gene: WT1 (WT1 transcription factor; minus strand). Cytogenetic location: 11p13.
Variant type: single nucleotide variant.
Coding change: c.1299T>A on transcript NM_024426.6 (MANE Select); coding-DNA position 1299, T replaced by A.
Protein change: p.Cys433Ter; replaces cysteine 433 with a stop codon.
Molecular consequence: nonsense. On other transcripts: non-coding transcript variant (1).
Genome position (GRCh38, 1-based): chr11:32,392,721, A>T on the plus strand (T>A on the coding strand, the complement: WT1 is on the minus strand). VCF-style: chr11-32392721-A-T. GRCh37 (hg19) VCF-style: chr11-32414267-A-T.
Other names: c.1299T>A, p.Cys433Ter (NM_001407046.1, NM_024424.5); c.1176T>A, p.Cys392Ter (NM_001407047.1); c.1248T>A, p.Cys416Ter (NM_001407049.1, NM_000378.6, NM_001407045.1); c.1125T>A, p.Cys375Ter (NM_001407050.1); c.537T>A, p.Cys179Ter (NM_001407051.1); c.648T>A, p.Cys216Ter (NM_001198551.2); c.597T>A, p.Cys199Ter (NM_001198552.2); c.111T>A, p.Cys37Ter (NM_001367854.1); and 2 more; short protein forms C216*, C375*, C433*, C392*, C416*, C199*, C179*, C37*.
Identifiers: ClinVar variation 2033498 (VCV002033498.4), dbSNP rs2132920775, ClinGen allele CA379959333.